The following is an entry in ClinVar:

NM_198271.5(LMOD3):c.1123T>C (p.Tyr375His)

Gene: LMOD3 (leiomodin 3; minus strand). Cytogenetic location: 3p14.1.
Variant type: single nucleotide variant.
Coding change: c.1123T>C on transcript NM_198271.5 (MANE Select); coding-DNA position 1123, T replaced by C.
Protein change: p.Tyr375His; replaces tyrosine 375 with histidine.
Molecular consequence: missense variant.
Genome position (GRCh38, 1-based): chr3:69,119,232, A>G on the plus strand (T>C on the coding strand, the complement: LMOD3 is on the minus strand). VCF-style: chr3-69119232-A-G. GRCh37 (hg19) VCF-style: chr3-69168383-A-G.
Other names: c.1123T>C, p.Tyr375His (NM_001304418.3); c.1123T>C (NM_198271.3); short protein forms Y375H.
Identifiers: ClinVar variation 978494 (VCV000978494.10), dbSNP rs201506296, ClinGen allele CA2488856.

ClinVar aggregate classification (germline): Conflicting classifications of pathogenicity. Review status: criteria provided, conflicting classifications (1 of 4 stars). 4 submissions from 4 submitters: Uncertain significance (2); Likely benign (2). Last evaluated 2026-01-18.

Conditions:
LMOD3-related disorder. Also called: LMOD3-related condition.
Nemaline myopathy 10 (NEM10). Identifiers: MedGen C4015360, MONDO:0014513, OMIM 616165.
Inborn genetic diseases. Identifiers: MedGen C0950123, MeSH D030342.

Allele frequency attached by ClinVar (database versions not stated): gnomAD exomes 0.00003 and 0.00014; ExAC 0.00016; TOPMed 0.00051; gnomAD 0.00054 and 0.00057; ESP Exome Variant Server 0.00058; 1000 Genomes Project 0.00060; 1000 Genomes Project 30x 0.00062.

Submissions (4):

Labcorp Genetics (formerly Invitae), Labcorp
Classification: Likely benign for Nemaline myopathy 10. Last evaluated: 2026-01-18. Review status: criteria provided, single submitter. Criteria: Invitae Variant Classification Sherloc (09022015). Collection method: clinical testing. Allele origin: germline.

PreventionGenetics, part of Exact Sciences
Classification: Likely benign for LMOD3-related condition. Last evaluated: 2025-01-14. Review status: criteria provided, single submitter. Criteria: ACMG Guidelines, 2015. Collection method: clinical testing. Allele origin: germline.
Comment: This variant is classified as likely benign based on ACMG/AMP sequence variant interpretation guidelines (Richards et al. 2015 PMID: 25741868, with internal and published modifications).

GeneDx
Classification: Uncertain significance. Last evaluated: 2024-12-19. Review status: criteria provided, single submitter. Criteria: GeneDx Variant Classification Process June 2021. Collection method: clinical testing. Allele origin: germline. Affected: yes.
Comment: In silico analysis supports that this missense variant has a deleterious effect on protein structure/function; Has not been previously published as pathogenic or benign to our knowledge

Ambry Genetics
Classification: Uncertain significance for Inborn genetic diseases. Last evaluated: 2024-03-04. Review status: criteria provided, single submitter. Criteria: Ambry Variant Classification Scheme 2023. Collection method: clinical testing. Allele origin: germline.